The following is an entry in ClinVar:

ClinVar aggregate classification (germline): Conflicting classifications of pathogenicity. Review status: criteria provided, conflicting classifications (1 of 4 stars). 2 submissions from 2 submitters: Uncertain significance (1); Likely benign (1). Last evaluated 2022-03-15.

Conditions:
Inborn genetic diseases. Identifiers: MedGen C0950123, MeSH D030342.

Allele frequency attached by ClinVar (database versions not stated): gnomAD 0.00006; TOPMed 0.00007; ESP Exome Variant Server 0.00008; ExAC 0.00010; gnomAD exomes 0.00010.
gnomAD v4.1: 153 of 1,609,962 alleles (0.0095%); highest among the groups gnomAD compares: Middle Eastern, 0.083%; no homozygotes.

Submissions (2):

Labcorp Genetics (formerly Invitae), Labcorp
Classification: Uncertain significance. Last evaluated: 2022-03-15. Review status: criteria provided, single submitter. Criteria: Invitae Variant Classification Sherloc (09022015). Collection method: clinical testing. Allele origin: germline.
Comment: This sequence change replaces serine, which is neutral and polar, with leucine, which is neutral and non-polar, at codon 458 of the KDM3B protein (p.Ser458Leu). This variant is present in population databases (rs370533044, gnomAD 0.01%). This variant has not been reported in the literature in individuals affected with KDM3B-related conditions. Algorithms developed to predict the effect of missense changes on protein structure and function output the following: SIFT: "Tolerated"; PolyPhen-2: "Benign"; Align-GVGD: "Class C0". The leucine amino acid residue is found in multiple mammalian species, which suggests that this missense change does not adversely affect protein function. In summary, the available evidence is currently insufficient to determine the role of this variant in disease. Therefore, it has been classified as a Variant of Uncertain Significance.

Ambry Genetics
Classification: Likely benign for Inborn genetic diseases. Last evaluated: 2021-11-08. Review status: criteria provided, single submitter. Criteria: Ambry Variant Classification Scheme 2023. Collection method: clinical testing. Allele origin: germline.

NM_016604.4(KDM3B):c.1373C>T (p.Ser458Leu)

Gene: KDM3B (lysine demethylase 3B; plus strand). Cytogenetic location: 5q31.2.
Variant type: single nucleotide variant.
Coding change: c.1373C>T on transcript NM_016604.4 (MANE Select); coding-DNA position 1373, C replaced by T.
Protein change: p.Ser458Leu; replaces serine 458 with leucine.
Molecular consequence: missense variant.
Genome position (GRCh38, 1-based): chr5:138,386,614, C>T. VCF-style: chr5-138386614-C-T. GRCh37 (hg19) VCF-style: chr5-137722303-C-T.
Other names: c.1373C>T (NM_016604.3); short protein forms S458L.
Identifiers: ClinVar variation 2197709 (VCV002197709.2), dbSNP rs370533044, ClinGen allele CA3428893.